The following is an entry in ClinVar:

ClinVar aggregate classification (germline): Uncertain significance (1 of 4 stars; one submission).

Conditions:
Tietz syndrome (TADS). Also called: HYPOPIGMENTATION/DEAFNESS OF TIETZ; ALBINISM-DEAFNESS OF TIETZ; TIETZ ALBINISM-DEAFNESS SYNDROME. Identifiers: Orphanet 42665, MedGen C0391816, MONDO:0007077, OMIM 103500.
Waardenburg syndrome type 2A (WS2A). Also called: WAARDENBURG SYNDROME WITHOUT DYSTOPIA CANTHORUM. Identifiers: Orphanet 3440, MedGen C1860339, MONDO:0008671, OMIM 193510.
Melanoma, cutaneous malignant, susceptibility to, 8. Also called: MELANOMA AND RENAL CELL CARCINOMA, SUSCEPTIBILITY TO; Cutaneous malignant melanoma 8. Identifiers: Orphanet 293822, MedGen C3152204, MONDO:0013759, OMIM 614456.

Allele frequency attached by ClinVar (database versions not stated): TOPMed below 0.00001; gnomAD exomes 0.00001; gnomAD 0.00002.
gnomAD v4.1: 12 of 1,613,804 alleles (0.00074%); highest among the groups gnomAD compares: South Asian, 0.0033%; no homozygotes.

Submission:

Labcorp Genetics (formerly Invitae), Labcorp
Classification: Uncertain significance for Melanoma, cutaneous malignant, susceptibility to, 8; Waardenburg syndrome type 2A; Tietz syndrome. Last evaluated: 2025-12-24. Review status: criteria provided, single submitter. Criteria: Invitae Variant Classification Sherloc (09022015). Collection method: clinical testing. Allele origin: germline.
Comment: This sequence change falls in intron 8 of the MITF gene. It does not directly change the encoded amino acid sequence of the MITF protein. It affects a nucleotide within the consensus splice site. This variant is present in population databases (no rsID available, gnomAD 0.007%). This variant has not been reported in the literature in individuals affected with MITF-related conditions. ClinVar contains an entry for this variant (Variation ID: 2108964). Variants that disrupt the consensus splice site are a relatively common cause of aberrant splicing (PMID: 17576681, 9536098). Algorithms developed to predict the effect of sequence changes on RNA splicing suggest that this variant is not likely to affect RNA splicing. In summary, the available evidence is currently insufficient to determine the role of this variant in disease. Therefore, it has been classified as a Variant of Uncertain Significance.

Literature cited by the submitters: PubMed 17576681; PubMed 9536098.

NM_001354604.2(MITF):c.1179+3A>G

Gene: MITF (melanocyte inducing transcription factor; plus strand). Cytogenetic location: 3p13.
Variant type: single nucleotide variant.
Coding change: c.1179+3A>G on transcript NM_001354604.2 (MANE Select); 3 bases into the intron after coding-DNA position 1179, A replaced by G.
Molecular consequence: intron variant.
Genome position (GRCh38, 1-based): chr3:69,959,423, A>G. VCF-style: chr3-69959423-A-G. GRCh37 (hg19) VCF-style: chr3-70008574-A-G.
Other names: c.1110+3A>G (NM_001354607.2); c.1005+3A>G (NM_001354608.2, NM_001184967.2); c.1161+3A>G (NM_198159.3); c.1176+3A>G (NM_001354605.2); c.1158+3A>G (NM_001354606.2, NM_006722.3); c.1113+3A>G (NM_198177.3); c.858+3A>G (NM_000248.4); c.840+3A>G (NM_198158.3); and 1 more.
Identifiers: ClinVar variation 2108964 (VCV002108964.4), dbSNP rs1280253628, ClinGen allele CA544006141.